The following is an entry in ClinVar:

ClinVar aggregate classification (germline): Conflicting classifications of pathogenicity. Review status: criteria provided, conflicting classifications (1 of 4 stars). 5 submissions from 5 submitters: Uncertain significance (3); Benign (1); Likely benign (1). Last evaluated 2025-11-13.

Conditions:
Cardiovascular phenotype. Identifiers: MedGen CN230736.
Dilated cardiomyopathy 1DD (CMD1DD). Identifiers: Orphanet 154, MedGen C2750995, MONDO:0013168, OMIM 613172.

Allele frequency attached by ClinVar (database versions not stated): gnomAD 0.00001 and 0.00003; gnomAD exomes 0.00001 and 0.00004; TOPMed 0.00002; 1000 Genomes Project 30x 0.00016; 1000 Genomes Project 0.00020.
gnomAD v4.1: 20 of 1,551,736 alleles (0.0013%); highest among the groups gnomAD compares: East Asian, 0.037%; no homozygotes.

Submissions (5):

Ambry Genetics
Classification: Uncertain significance for Cardiovascular phenotype. Last evaluated: 2025-11-13. Review status: criteria provided, single submitter. Criteria: Ambry Variant Classification Scheme 2023. Collection method: clinical testing. Allele origin: germline.
Comment: The p.Q717K variant (also known as c.2149C>A), located in coding exon 9 of the RBM20 gene, results from a C to A substitution at nucleotide position 2149. The glutamine at codon 717 is replaced by lysine, an amino acid with similar properties. This amino acid position is not well conserved in available vertebrate species. In addition, this alteration is predicted to be tolerated by in silico analysis. Based on the available evidence, the clinical significance of this variant remains unclear.

Labcorp Genetics (formerly Invitae), Labcorp
Classification: Benign for Dilated cardiomyopathy 1DD. Last evaluated: 2025-07-08. Review status: criteria provided, single submitter. Criteria: Invitae Variant Classification Sherloc (09022015). Collection method: clinical testing. Allele origin: germline.

Blueprint Genetics
Classification: Likely benign. Last evaluated: 2023-10-18. Review status: criteria provided, single submitter. Criteria: ACMG Guidelines, 2015. Collection method: clinical testing. Allele origin: germline.

Fulgent Genetics
Classification: Uncertain significance for Dilated cardiomyopathy 1DD. Last evaluated: 2021-10-06. Review status: criteria provided, single submitter. Criteria: ACMG Guidelines, 2015. Collection method: clinical testing. Allele origin: unknown.

Johns Hopkins Genomics, Johns Hopkins University
Classification: Uncertain significance for Dilated cardiomyopathy 1DD. Last evaluated: 2020-04-17. Review status: criteria provided, single submitter. Criteria: ACMG Guidelines, 2015. Collection method: clinical testing. Allele origin: germline.

NM_001134363.3(RBM20):c.2149C>A (p.Gln717Lys)

Gene: RBM20 (RNA binding motif protein 20; plus strand). Cytogenetic location: 10q25.2.
Variant type: single nucleotide variant.
Coding change: c.2149C>A on transcript NM_001134363.3 (MANE Select); coding-DNA position 2149, C replaced by A.
Protein change: p.Gln717Lys; replaces glutamine 717 with lysine.
Molecular consequence: missense variant.
Genome position (GRCh38, 1-based): chr10:110,812,546, C>A. VCF-style: chr10-110812546-C-A. GRCh37 (hg19) VCF-style: chr10-112572304-C-A.
Other names: c.2149C>A (NM_001134363.1); short protein forms Q717K.
Identifiers: ClinVar variation 470595 (VCV000470595.15), dbSNP rs551819918, ClinGen allele CA213223830.